The following is an entry in ClinVar:

ClinVar aggregate classification (germline): Likely benign. Review status: criteria provided, multiple submitters, no conflicts (2 of 4 stars). 2 submissions from 2 submitters: Likely benign (2). Last evaluated 2026-07-01.

Allele frequency attached by ClinVar (database versions not stated): ExAC 0.00024; gnomAD 0.00008; gnomAD exomes 0.00010 and 0.00012; TOPMed 0.00014; ESP Exome Variant Server 0.00017.
gnomAD v4.1: 171 of 1,563,006 alleles (0.011%); highest among the groups gnomAD compares: Non-Finnish European, 0.014%; no homozygotes.

Submissions (2):

CeGaT Center for Human Genetics Tuebingen
Classification: Likely benign. Last evaluated: 2026-07-01. Review status: criteria provided, single submitter. Criteria: CeGaT Center For Human Genetics Tuebingen Variant Classification Criteria Version 2. Collection method: clinical testing. Allele origin: germline. Affected: yes. Observed: 1 variant allele.
Comment: GNMT: BP4, BP7

Labcorp Genetics (formerly Invitae), Labcorp
Classification: Likely benign. Last evaluated: 2025-05-11. Review status: criteria provided, single submitter. Criteria: Invitae Variant Classification Sherloc (09022015). Collection method: clinical testing. Allele origin: germline.

NM_018960.6(GNMT):c.147G>A (p.Leu49=)

Genes: CNPY3-GNMT (CNPY3-GNMT readthrough; plus strand), GNMT (glycine N-methyltransferase; plus strand). Cytogenetic location: 6p21.1.
Variant type: single nucleotide variant.
Coding change: c.147G>A on transcript NM_018960.6 (MANE Select); coding-DNA position 147, G replaced by A.
Protein change: p.Leu49=; no amino-acid change (leucine 49 retained).
Molecular consequence: synonymous variant. On other transcripts: non-coding transcript variant (1), intron variant (3).
Genome position (GRCh38, 1-based): chr6:42,960,914, G>A. VCF-style: chr6-42960914-G-A. GRCh37 (hg19) VCF-style: chr6-42928652-G-A.
Other names: c.147G>A, p.Leu49= (NM_001318865.2); c.9-1298G>A (NM_001318856.2); c.152-1848G>A (NM_001318857.2, NM_001318858.2).
Identifiers: ClinVar variation 1551541 (VCV001551541.9), dbSNP rs374383186, ClinGen allele CA3810584.